The following is an entry in ClinVar:

ClinVar aggregate classification (germline): Uncertain significance (1 of 4 stars; one submission).

Conditions:
Inborn genetic diseases. Identifiers: MedGen C0950123, MeSH D030342.

Submission:

Ambry Genetics
Classification: Uncertain significance for Inborn genetic diseases. Last evaluated: 2025-04-03. Review status: criteria provided, single submitter. Criteria: Ambry Variant Classification Scheme 2023. Collection method: clinical testing. Allele origin: germline.
Comment: The p.G500C variant (also known as c.1498G>T), located in coding exon 1 of the SAMD9L gene, results from a G to T substitution at nucleotide position 1498. The glycine at codon 500 is replaced by cysteine, an amino acid with highly dissimilar properties. This amino acid position is conserved. In addition, the in silico prediction for this alteration is inconclusive. Based on the available evidence, the clinical significance of this variant remains unclear.

NM_152703.5(SAMD9L):c.1498G>T (p.Gly500Cys)

Gene: SAMD9L (sterile alpha motif domain containing 9 like; minus strand). Cytogenetic location: 7q21.2.
Variant type: single nucleotide variant.
Coding change: c.1498G>T on transcript NM_152703.5 (MANE Select); coding-DNA position 1498, G replaced by T.
Protein change: p.Gly500Cys; replaces glycine 500 with cysteine.
Molecular consequence: missense variant.
Genome position (GRCh38, 1-based): chr7:93,134,474, C>A on the plus strand (G>T on the coding strand, the complement: SAMD9L is on the minus strand). VCF-style: chr7-93134474-C-A. GRCh37 (hg19) VCF-style: chr7-92763787-C-A.
Other names: c.1498G>T, p.Gly500Cys (NM_001303496.3, NM_001303497.3, NM_001303498.3 and 5 more transcripts); short protein forms G500C.
Identifiers: ClinVar variation 3949800 (VCV003949800.1).